The following is an entry in ClinVar:

ClinVar aggregate classification (germline): Uncertain significance (1 of 4 stars; one submission).

gnomAD v4.1: 8 of 1,614,078 alleles (0.0005%); highest among the groups gnomAD compares: Non-Finnish European, 0.00068%; no homozygotes.

Submission:

Labcorp Genetics (formerly Invitae), Labcorp
Classification: Uncertain significance. Last evaluated: 2025-07-07. Review status: criteria provided, single submitter. Criteria: Invitae Variant Classification Sherloc (09022015). Collection method: clinical testing. Allele origin: germline.
Comment: This sequence change replaces proline, which is neutral and non-polar, with threonine, which is neutral and polar, at codon 1456 of the VPS13D protein (p.Pro1456Thr). This variant is present in population databases (rs761532839, gnomAD 0.003%). This variant has not been reported in the literature in individuals affected with VPS13D-related conditions. Invitae Evidence Modeling of protein sequence and biophysical properties (such as structural, functional, and spatial information, amino acid conservation, physicochemical variation, residue mobility, and thermodynamic stability) indicates that this missense variant is not expected to disrupt VPS13D protein function with a negative predictive value of 80%. In summary, the available evidence is currently insufficient to determine the role of this variant in disease. Therefore, it has been classified as a Variant of Uncertain Significance.

NM_015378.4(VPS13D):c.4366C>A (p.Pro1456Thr)

Gene: VPS13D (vacuolar protein sorting 13 homolog D; plus strand). Cytogenetic location: 1p36.22.
Variant type: single nucleotide variant.
Coding change: c.4366C>A on transcript NM_015378.4 (MANE Select); coding-DNA position 4366, C replaced by A.
Protein change: p.Pro1456Thr; replaces proline 1456 with threonine.
Molecular consequence: missense variant.
Genome position (GRCh38, 1-based): chr1:12,277,954, C>A. VCF-style: chr1-12277954-C-A. GRCh37 (hg19) VCF-style: chr1-12338011-C-A.
Other names: c.4366C>A, p.Pro1456Thr (NM_018156.4); short protein forms P1456T.
Identifiers: ClinVar variation 4691259 (VCV004691259.1).